The following is an entry in ClinVar:

ClinVar aggregate classification (germline): Benign. Review status: criteria provided, multiple submitters, no conflicts (2 of 4 stars). 2 submissions from 2 submitters: Benign (2). Last evaluated 2018-11-12.

Conditions:
Isolated growth hormone deficiency type IB (IGHD1B). Also called: IGHD IB; IGHD 1B. Identifiers: Orphanet 231671, Orphanet 631, MedGen C2748571, MONDO:0013006, OMIM 612781.

Allele frequency attached by ClinVar (database versions not stated): gnomAD exomes 0.02994 and 0.05615; ESP Exome Variant Server 0.05219; gnomAD 0.06644 and 0.06766; ExAC 0.06696; TOPMed 0.07478; 1000 Genomes Project 0.10823; 1000 Genomes Project 30x 0.11165.
gnomAD v4.1: 51,953 of 1,526,688 alleles (3.4%); highest among the groups gnomAD compares: East Asian, 18%; 2,333 homozygotes.

Submissions (2):

GeneDx
Classification: Benign. Last evaluated: 2018-11-12. Review status: criteria provided, single submitter. Criteria: GeneDx Variant Classification Process June 2021. Collection method: clinical testing. Allele origin: germline. Affected: yes.

Illumina Laboratory Services, Illumina
Classification: Benign for Isolated growth hormone deficiency type IB. Last evaluated: 2018-01-12. Review status: criteria provided, single submitter. Criteria: ICSL Variant Classification Criteria 13 December 2019. Collection method: clinical testing. Allele origin: germline.
Comment: This variant was observed in the ICSL laboratory as part of a predisposition screen in an ostensibly healthy population. It had not been previously curated by ICSL or reported in the Human Gene Mutation Database (HGMD: prior to June 1st, 2018), and was therefore a candidate for classification through an automated scoring system. Utilizing variant allele frequency, disease prevalence and penetrance estimates, and inheritance mode, an automated score was calculated to assess if this variant is too frequent to cause the disease. Based on the score and internal cut-off values, a variant classified as benign is not then subjected to further curation. The score for this variant resulted in a classification of benign for this disease.

NM_000823.4(GHRHR):c.-45C>T

Gene: GHRHR (growth hormone releasing hormone receptor; plus strand). Cytogenetic location: 7p14.3.
Variant type: single nucleotide variant.
Coding change: c.-45C>T on transcript NM_000823.4 (MANE Select); 45 bases upstream of the start codon, C replaced by T.
Molecular consequence: 5 prime UTR variant.
Genome position (GRCh38, 1-based): chr7:30,964,024, C>T. VCF-style: chr7-30964024-C-T. GRCh37 (hg19) VCF-style: chr7-31003639-C-T.
Identifiers: ClinVar variation 360026 (VCV000360026.7), dbSNP rs2302021, ClinGen allele CA4208362.